The following is an entry in ClinVar:

ClinVar aggregate classification (germline): Uncertain significance. Review status: criteria provided, multiple submitters, no conflicts (2 of 4 stars). 2 submissions from 2 submitters: Uncertain significance (2). Last evaluated 2025-12-12.

Conditions:
Age related macular degeneration 9. Identifiers: MedGen C1969651, MONDO:0012659, OMIM 611378.
Atypical hemolytic-uremic syndrome with C3 anomaly. Also called: AHUS, SUSCEPTIBILITY TO, 5. Identifiers: Orphanet 2134, MedGen C2752037, MONDO:0013043, OMIM 612925.
Complement component 3 deficiency. Identifiers: Orphanet 280133, MedGen C3151071, MONDO:0013417, OMIM 613779.

Allele frequency attached by ClinVar (database versions not stated): gnomAD 0.00001; gnomAD exomes 0.00001.
gnomAD v4.1: 19 of 1,613,544 alleles (0.0012%); highest among the groups gnomAD compares: Admixed American, 0.005%; no homozygotes.

Submissions (2):

Labcorp Genetics (formerly Invitae), Labcorp
Classification: Uncertain significance. Last evaluated: 2025-12-12. Review status: criteria provided, single submitter. Criteria: Invitae Variant Classification Sherloc (09022015). Collection method: clinical testing. Allele origin: germline.
Comment: This sequence change replaces arginine, which is basic and polar, with glutamine, which is neutral and polar, at codon 304 of the C3 protein (p.Arg304Gln). This variant is present in population databases (no rsID available, gnomAD 0.006%). This variant has not been reported in the literature in individuals affected with C3-related conditions. ClinVar contains an entry for this variant (Variation ID: 1522241). Invitae Evidence Modeling of protein sequence and biophysical properties (such as structural, functional, and spatial information, amino acid conservation, physicochemical variation, residue mobility, and thermodynamic stability) indicates that this missense variant is not expected to disrupt C3 protein function with a negative predictive value of 80%. In summary, the available evidence is currently insufficient to determine the role of this variant in disease. Therefore, it has been classified as a Variant of Uncertain Significance.

Fulgent Genetics
Classification: Uncertain significance for Age related macular degeneration 9; Atypical hemolytic-uremic syndrome with C3 anomaly; Complement component 3 deficiency. Last evaluated: 2024-04-09. Review status: criteria provided, single submitter. Criteria: ACMG Guidelines, 2015. Collection method: clinical testing. Allele origin: germline.

NM_000064.4(C3):c.911G>A (p.Arg304Gln)

Gene: C3 (complement C3; minus strand). Cytogenetic location: 19p13.3.
Variant type: single nucleotide variant.
Coding change: c.911G>A on transcript NM_000064.4 (MANE Select); coding-DNA position 911, G replaced by A.
Protein change: p.Arg304Gln; replaces arginine 304 with glutamine.
Molecular consequence: missense variant.
Genome position (GRCh38, 1-based): chr19:6,713,281, C>T on the plus strand (G>A on the coding strand, the complement: C3 is on the minus strand). VCF-style: chr19-6713281-C-T. GRCh37 (hg19) VCF-style: chr19-6713292-C-T.
Other names: short protein forms R304Q.
Identifiers: ClinVar variation 1522241 (VCV001522241.9), dbSNP rs866279562, ClinGen allele CA304797694.